The following is an entry in ClinVar:

NM_182493.3(MYLK3):c.2047G>T (p.Val683Phe)

Gene: MYLK3 (myosin light chain kinase 3; minus strand). Cytogenetic location: 16q11.2.
Variant type: single nucleotide variant.
Coding change: c.2047G>T on transcript NM_182493.3 (MANE Select); coding-DNA position 2047, G replaced by T.
Protein change: p.Val683Phe; replaces valine 683 with phenylalanine.
Molecular consequence: missense variant.
Genome position (GRCh38, 1-based): chr16:46,712,715, C>A on the plus strand (G>T on the coding strand, the complement: MYLK3 is on the minus strand). VCF-style: chr16-46712715-C-A. GRCh37 (hg19) VCF-style: chr16-46746627-C-A.
Other names: c.1024G>T, p.Val342Phe (NM_001308301.1); short protein forms V342F, V683F.
Identifiers: ClinVar variation 2633511 (VCV002633511.2), dbSNP rs2548898877, ClinGen allele CA395787882.
Genomic context (GRCh38, chr16:46,712,715, plus strand): 5'-AGGTGATGACTCCCACACTCCACATGTCTGTGGGGAATGAGACAAACTCATAATTGACGA[C>A]TTCTGGGGCCAGGAACTCAGGAGTGCCGAAGTTCACCTTCAGCTTCTCTCGAGGCTTGTA-3'
Protein context (NP_872299.2, residues 673-693): FGTPEFLAPE[Val683Phe]VNYEFVSFPT

ClinVar aggregate classification (germline): Uncertain significance (0 of 4 stars; one submission).

Conditions:
MYLK3-related disorder. Also called: MYLK3-related condition.

Submission:

PreventionGenetics, part of Exact Sciences
Classification: Uncertain significance for MYLK3-related condition. Last evaluated: 2024-07-18. Review status: no assertion criteria provided. Collection method: clinical testing. Allele origin: germline.
Comment: The MYLK3 c.2047G>T variant is predicted to result in the amino acid substitution p.Val683Phe. To our knowledge, this variant has not been reported in the literature or in gnomAD, indicating this variant is rare. At this time, the clinical significance of this variant is uncertain due to the absence of conclusive functional and genetic evidence.